The following is an entry in ClinVar:

NC_000002.11:g.(?_29754771)_(29754992_?)dup

Gene: ALK (ALK receptor tyrosine kinase; minus strand). Cytogenetic location: 2p23.2.
Variant type: Duplication.
Identifiers: ClinVar variation 652974 (VCV000652974.3).

ClinVar aggregate classification (germline): Uncertain significance (1 of 4 stars; one submission).

Conditions:
Neuroblastoma, susceptibility to, 3. Also called: ALK-Related Neuroblastic Tumor Susceptibility. Identifiers: Orphanet 635, MedGen C2751681, MONDO:0013083, OMIM 613014.

Submission:

Labcorp Genetics (formerly Invitae), Labcorp
Classification: Uncertain significance for Neuroblastoma, susceptibility to, 3. Last evaluated: 2022-09-01. Review status: criteria provided, single submitter. Criteria: Invitae Variant Classification Sherloc (09022015). Collection method: clinical testing. Allele origin: germline.
Comment: This variant results in a copy number gain of the genomic region encompassing exon(s) 4 of the ALK gene. While the exact position of this variant cannot be determined from the data, sub-genic copy number gains are generally in tandem (PMID: 25640679). This variant is predicted to be out-of-frame, and may result in an absent or disrupted protein product. However, the current clinical and genetic evidence is not sufficient to establish whether loss-of-function variants in ALK cause disease. This variant has not been reported in the literature in individuals affected with ALK-related conditions. In summary, the available evidence is currently insufficient to determine the role of this variant in disease. Therefore, it has been classified as a Variant of Uncertain Significance.

Literature cited by the submitters: PubMed 25640679.